The following is an entry in ClinVar:

NM_058216.3(RAD51C):c.306C>G (p.Thr102=)

Gene: RAD51C (RAD51 paralog C; plus strand). Cytogenetic location: 17q22.
Variant type: single nucleotide variant.
Coding change: c.306C>G on transcript NM_058216.3 (MANE Select); coding-DNA position 306, C replaced by G.
Protein change: p.Thr102=; no amino-acid change (threonine 102 retained).
Molecular consequence: synonymous variant. On other transcripts: non-coding transcript variant (2).
Genome position (GRCh38, 1-based): chr17:58,695,091, C>G. VCF-style: chr17-58695091-C-G. GRCh37 (hg19) VCF-style: chr17-56772452-C-G.
Other names: c.306C>G, p.Thr102= (NM_002876.4).
Identifiers: ClinVar variation 3903496 (VCV003903496.2).

ClinVar aggregate classification (germline): Benign/Likely benign. Review status: criteria provided, multiple submitters, no conflicts (2 of 4 stars). 2 submissions from 2 submitters: Benign (1); Likely benign (1). Last evaluated 2025-06-22.

Conditions:
Breast-ovarian cancer, familial, susceptibility to, 3. Also called: RAD51C-Related Breast/Ovarian Cancer. Identifiers: Orphanet 145, MedGen C3150659, MONDO:0013253, OMIM 613399.
Hereditary cancer-predisposing syndrome. Also called: Hereditary Cancer Syndrome; Hereditary neoplastic syndrome; Neoplastic Syndromes, Hereditary; Tumor predisposition. Identifiers: Orphanet 140162, MedGen C0027672, MeSH D009386, MONDO:0015356.

Submissions (2):

Ambry Genetics
Classification: Likely benign for Hereditary cancer-predisposing syndrome. Last evaluated: 2025-06-22. Review status: criteria provided, single submitter. Criteria: Ambry Variant Classification Scheme 2023. Collection method: clinical testing. Allele origin: germline.

Myriad Genetics, Inc.
Classification: Benign for Breast-ovarian cancer, familial, susceptibility to, 3. Last evaluated: 2025-02-14. Review status: criteria provided, single submitter. Criteria: Myriad Autosomal Dominant, Autosomal Recessive and X-Linked Classification Criteria (2023). Collection method: clinical testing. Allele origin: unknown.
Comment: This variant is considered benign. This variant is a silent/synonymous amino acid change and it is not expected to impact splicing.